The following is an entry in ClinVar:

NM_198252.3(GSN):c.602G>A (p.Arg201Gln)

Gene: GSN (gelsolin; plus strand). Cytogenetic location: 9q33.2.
Variant type: single nucleotide variant.
Coding change: c.602G>A on transcript NM_198252.3 (MANE Select); coding-DNA position 602, G replaced by A.
Protein change: p.Arg201Gln; replaces arginine 201 with glutamine.
Molecular consequence: missense variant. On other transcripts: 5 prime UTR variant (1).
Genome position (GRCh38, 1-based): chr9:121,312,427, G>A. VCF-style: chr9-121312427-G-A. GRCh37 (hg19) VCF-style: chr9-124074705-G-A.
Other names: c.755G>A, p.Arg252Gln (NM_000177.5); c.602G>A, p.Arg201Gln (NM_001127662.2, NM_001127664.2, NM_001127665.2 and 10 more transcripts); c.710G>A, p.Arg237Gln (NM_001127663.2); c.635G>A, p.Arg212Gln (NM_001127666.2, NM_001127667.2, NM_001353063.2 and 13 more transcripts); c.653G>A, p.Arg218Gln (NM_001258029.2); c.626G>A, p.Arg209Gln (NM_001258030.2); c.674G>A, p.Arg225Gln (NM_001353076.2); c.-53G>A (NM_001353078.2); short protein forms R209Q, R237Q, R218Q, R212Q, R201Q, R225Q, R252Q.
Identifiers: ClinVar variation 1508588 (VCV001508588.11), dbSNP rs774085705, ClinGen allele CA5220943.

ClinVar aggregate classification (germline): Conflicting classifications of pathogenicity. Review status: criteria provided, conflicting classifications (1 of 4 stars). 3 submissions from 3 submitters: Uncertain significance (2); Likely benign (1). Last evaluated 2026-07-01.

Conditions:
Finnish type amyloidosis. Also called: AMYLOID CRANIAL NEUROPATHY WITH LATTICE CORNEAL DYSTROPHY; AMYLOIDOSIS DUE TO MUTANT GELSOLIN; Lattice corneal dystrophy associated with familial systemic amyloidosis; Meretoja's syndrome; Lattice dystrophy of the cornea with hereditary generalized amyloidosis; AMYLOIDOSIS, HEREDITARY SYSTEMIC 4, FINNISH TYPE. Identifiers: Orphanet 85448, MedGen C1622345, MONDO:0007097, OMIM 105120.

Allele frequency attached by ClinVar (database versions not stated): ExAC 0.00005; gnomAD 0.00005 and 0.00006; gnomAD exomes 0.00006 and 0.00007; TOPMed 0.00006.

Submissions (3):

CeGaT Center for Human Genetics Tuebingen
Classification: Likely benign. Last evaluated: 2026-07-01. Review status: criteria provided, single submitter. Criteria: CeGaT Center For Human Genetics Tuebingen Variant Classification Criteria Version 2. Collection method: clinical testing. Allele origin: germline. Affected: yes. Observed: 1 variant allele.
Comment: GSN: BP4, BS2

Labcorp Genetics (formerly Invitae), Labcorp
Classification: Uncertain significance. Last evaluated: 2025-07-21. Review status: criteria provided, single submitter. Criteria: Invitae Variant Classification Sherloc (09022015). Collection method: clinical testing. Allele origin: germline.
Comment: This sequence change replaces arginine, which is basic and polar, with glutamine, which is neutral and polar, at codon 252 of the GSN protein (p.Arg252Gln). The frequency data for this variant in the population databases is considered unreliable, as metrics indicate poor data quality at this position in the gnomAD database. This variant has not been reported in the literature in individuals affected with GSN-related conditions. ClinVar contains an entry for this variant (Variation ID: 1508588). Invitae Evidence Modeling of protein sequence and biophysical properties (such as structural, functional, and spatial information, amino acid conservation, physicochemical variation, residue mobility, and thermodynamic stability) indicates that this missense variant is expected to disrupt GSN protein function with a positive predictive value of 80%. In summary, the available evidence is currently insufficient to determine the role of this variant in disease. Therefore, it has been classified as a Variant of Uncertain Significance.

Fulgent Genetics
Classification: Uncertain significance for Finnish type amyloidosis. Last evaluated: 2024-05-22. Review status: criteria provided, single submitter. Criteria: ACMG Guidelines, 2015. Collection method: clinical testing. Allele origin: germline.